The following is an entry in ClinVar:

NM_000492.4(CFTR):c.579+3A>T

Gene: CFTR (CF transmembrane conductance regulator; plus strand). Cytogenetic location: 7q31.2.
Variant type: single nucleotide variant.
Coding change: c.579+3A>T on transcript NM_000492.4 (MANE Select); 3 bases into the intron after coding-DNA position 579, A replaced by T.
Molecular consequence: intron variant.
Genome position (GRCh38, 1-based): chr7:117,534,368, A>T. VCF-style: chr7-117534368-A-T. GRCh37 (hg19) VCF-style: chr7-117174422-A-T.
Identifiers: ClinVar variation 54011 (VCV000054011.2), dbSNP rs397508761, ClinGen allele CA327581.

ClinVar aggregate classification (germline): Likely pathogenic. Review status: criteria provided, single submitter (1 of 4 stars). 2 submissions from 2 submitters: Likely pathogenic (1). 1 of the submissions does not count toward it. Last evaluated 2025-08-05.

Conditions:
CFTR-related disorder (CFTR-RD). Also called: CFTR-related disorders; CFTR-related condition. Identifiers: MedGen C5924204, MONDO:7770004.
Cystic fibrosis (CF). Also called: MUCOVISCIDOSIS. Identifiers: Orphanet 586, MedGen C0010674, MONDO:0009061, OMIM 219700. Disease mechanism: loss of function.

Submissions (2):

Natera, Inc.
Classification: Likely pathogenic for CFTR-related disorders. Last evaluated: 2025-08-05. Review status: criteria provided, single submitter. Criteria: Natera Variant Classification Schema (03/2026). Collection method: clinical testing. Allele origin: germline.
Comment: The c.579+3A>T variant in CFTR is an intronic variant located outside the canonical splice sites. This variant is rare in the general population with a frequency below the threshold expected for the associated phenotype(s). This variant has been observed in one or more individuals affected with the associated recessive disease, as either homozygous or compound heterozygous with a second variant (PMID: 9439669, 23687349). Functional studies show that this variant may disrupt protein function (PMID: 33085659). Computational prediction algorithms indicate this variant is likely to affect gene or protein function. Given the available evidence, this variant is classified as Likely Pathogenic.

ClinVar Staff, National Center for Biotechnology Information (NCBI)
No classification provided. Condition: CFTR-related disorders. Review status: no classification provided. Collection method: literature only. Allele origin: germline. Affected: yes. Not counted in ClinVar's aggregate classification.

Literature cited by the submitters: PubMed 9439669 (cited by Natera, Inc.); PubMed 23687349 (cited by Natera, Inc.); PubMed 33085659 (cited by Natera, Inc.); PubMed 17331079 (cited by ClinVar Staff, National Center for Biotechnology Information (NCBI)).